The following is an entry in ClinVar:

NM_000489.6(ATRX):c.5461A>G (p.Thr1821Ala)

Gene: ATRX (ATRX chromatin remodeler; minus strand). Cytogenetic location: Xq21.1.
Variant type: single nucleotide variant.
Coding change: c.5461A>G on transcript NM_000489.6 (MANE Select); coding-DNA position 5461, A replaced by G.
Protein change: p.Thr1821Ala; replaces threonine 1821 with alanine.
Molecular consequence: missense variant.
Genome position (GRCh38, 1-based): chrX:77,616,718, T>C on the plus strand (A>G on the coding strand, the complement: ATRX is on the minus strand). VCF-style: chrX-77616718-T-C. GRCh37 (hg19) VCF-style: chrX-76872186-T-C.
Other names: c.5347A>G, p.Thr1783Ala (NM_138270.5); short protein forms T1783A, T1821A.
Identifiers: ClinVar variation 1321258 (VCV001321258.1), dbSNP rs2148245541, ClinGen allele CA413700524.

ClinVar aggregate classification (germline): Uncertain significance (1 of 4 stars; one submission).

Conditions:
Intellectual disability-hypotonic facies syndrome, X-linked, 1 (MRXHF1). Also called: HOLMES-GANG SYNDROME; Smith Fineman Myers syndrome 1; XLMR-HYPOTONIC FACIES SYNDROME; CHUDLEY-LOWRY SYNDROME; Chudley syndrome 1; Chudley-Lowry-Hoar syndrome. Identifiers: Orphanet 73220, Orphanet 93970, Orphanet 93971, Orphanet 93972, Orphanet 93973, Orphanet 93974, Orphanet 93975, MedGen C4759781, MONDO:0010663, OMIM 309580.

Submission:

3billion
Classification: Uncertain significance for Intellectual disability-hypotonic facies syndrome, X-linked, 1. Last evaluated: 2021-10-25. Review status: criteria provided, single submitter. Criteria: ACMG Guidelines, 2015. Collection method: clinical testing. Allele origin: maternal. Affected: yes. Observed: 1 hemizygote.
Comment: This variant is not observed in the gnomAD v2.1.1 dataset (PM2). In silico tool predictions suggest damaging effect of the variant on gene or gene product (REVEL: 0.616, PP3). Therefore, this variant is classified as uncertain significance according to the recommendation of ACMG/AMP guideline.